The following is an entry in ClinVar:

ClinVar aggregate classification (germline): Likely benign (1 of 4 stars; one submission).

Submission:

CeGaT Center for Human Genetics Tuebingen
Classification: Likely benign. Last evaluated: 2023-06-01. Review status: criteria provided, single submitter. Criteria: CeGaT Center For Human Genetics Tuebingen Variant Classification Criteria Version 2. Collection method: clinical testing. Allele origin: germline. Affected: yes. Observed: 1 variant allele.
Comment: TRIOBP: PM2:Supporting, BP4, BP7

NM_001039141.3(TRIOBP):c.3699A>C (p.Pro1233=)

Gene: TRIOBP (TRIO and F-actin binding protein; plus strand). Cytogenetic location: 22q13.1.
Variant type: single nucleotide variant.
Coding change: c.3699A>C on transcript NM_001039141.3 (MANE Select); coding-DNA position 3699, A replaced by C.
Protein change: p.Pro1233=; no amino-acid change (proline 1233 retained).
Molecular consequence: synonymous variant.
Genome position (GRCh38, 1-based): chr22:37,726,255, A>C. VCF-style: chr22-37726255-A-C. GRCh37 (hg19) VCF-style: chr22-38122262-A-C.
Identifiers: ClinVar variation 2653121 (VCV002653121.24), dbSNP rs544307722, ClinGen allele CA514773005.